The following is an entry in ClinVar:

ClinVar aggregate classification (germline): Benign. Review status: criteria provided, multiple submitters, no conflicts (2 of 4 stars). 3 submissions from 3 submitters: Benign (2). 1 of the submissions does not count toward it. Last evaluated 2026-01-26.

Conditions:
NFATC1-related disorder. Also called: NFATC1-related condition.

Allele frequency attached by ClinVar (database versions not stated): gnomAD exomes 0.00238 and 0.00625; ExAC 0.00745; gnomAD 0.02235 and 0.02399; 1000 Genomes Project 0.02316; 1000 Genomes Project 30x 0.02342; TOPMed 0.02358; ESP Exome Variant Server 0.02584.
gnomAD v4.1: 7,016 of 1,611,684 alleles (0.44%); highest among the groups gnomAD compares: African/African-American, 7.7%; 225 homozygotes.

Submissions (3):

Labcorp Genetics (formerly Invitae), Labcorp
Classification: Benign. Last evaluated: 2026-01-26. Review status: criteria provided, single submitter. Criteria: Invitae Variant Classification Sherloc (09022015). Collection method: clinical testing. Allele origin: germline.

Breakthrough Genomics
Classification: Benign. Review status: criteria provided, single submitter. Criteria: ACMG Guidelines, 2015. Collection method: not provided. Allele origin: germline. Inheritance: Unknown mechanism. Affected: yes.

PreventionGenetics, part of Exact Sciences
Classification: Benign for NFATC1-related condition. Last evaluated: 2019-10-28. Review status: no assertion criteria provided. Collection method: clinical testing. Allele origin: germline. Not counted in ClinVar's aggregate classification.
Comment: This variant is classified as benign based on ACMG/AMP sequence variant interpretation guidelines (Richards et al. 2015 PMID: 25741868, with internal and published modifications).

NM_001278669.2(NFATC1):c.291C>T (p.Pro97=)

Gene: NFATC1 (nuclear factor of activated T cells 1; plus strand). Cytogenetic location: 18q23.
Variant type: single nucleotide variant.
Coding change: c.291C>T on transcript NM_001278669.2 (MANE Select); coding-DNA position 291, C replaced by T.
Protein change: p.Pro97=; no amino-acid change (proline 97 retained).
Molecular consequence: synonymous variant. On other transcripts: intron variant (2).
Genome position (GRCh38, 1-based): chr18:79,410,566, C>T. VCF-style: chr18-79410566-C-T. GRCh37 (hg19) VCF-style: chr18-77170566-C-T.
Other names: c.291C>T, p.Pro97= (NM_001278670.2, NM_006162.5, NM_172390.3); c.252C>T, p.Pro84= (NM_001278672.2, NM_001278675.2, NM_172387.3 and 1 more transcripts); c.-191+14215C>T (NM_172388.3); c.-191+10087C>T (NM_001278673.2); c.291C>T (NM_001278669.1).
Identifiers: ClinVar variation 781420 (VCV000781420.13), dbSNP rs1063668, ClinGen allele CA9008795.